The following is an entry in ClinVar:

NM_000179.3(MSH6):c.1420del (p.Val474fs)

Gene: MSH6 (mutS homolog 6; plus strand). Cytogenetic location: 2p16.3.
Variant type: Deletion.
Coding change: c.1420del on transcript NM_000179.3 (MANE Select); coding-DNA position 1420, one base deleted (G; older notation c.1420delG).
Protein change: p.Val474fs; shifts the reading frame from valine 474.
Molecular consequence: frameshift variant. On other transcripts: non-coding transcript variant (4), intron variant (1).
Genome position (GRCh38, 1-based): chr2:47,799,403, G deleted; the last of 2 consecutive G bases (chr2:47,799,402-47,799,403); deleting either gives the same sequence. VCF-style (leftmost placement, unchanged base first): chr2-47799401-TG-T. GRCh37 (hg19) VCF-style: chr2-48026540-TG-T.
Other names: c.1030del, p.Val344fs (NM_001281492.2); c.514del, p.Val172fs (NM_001281493.2, NM_001281494.2, NM_001406811.1 and 6 more transcripts); c.1516del, p.Val506fs (NM_001406795.1, NM_001406802.1); c.1420del, p.Val474fs (NM_001406796.1, NM_001406798.1, NM_001406800.1 and 4 more transcripts); c.1123del, p.Val375fs (NM_001406797.1, NM_001406801.1, NM_001406805.1 and 10 more transcripts); c.895del, p.Val299fs (NM_001406799.1, NM_001406806.1, NM_001406807.1); c.1342del, p.Val448fs (NM_001406804.1); c.1426del, p.Val476fs (NM_001406813.1); and 2 more; short protein forms V299fs, V506fs, V344fs, V474fs, V476fs, V172fs, V375fs, V418fs.
Identifiers: ClinVar variation 3913704 (VCV003913704.2).

ClinVar aggregate classification (germline): Pathogenic. Review status: criteria provided, multiple submitters, no conflicts (2 of 4 stars). 2 submissions from 2 submitters: Pathogenic (2). Last evaluated 2025-05-25.

Conditions:
Hereditary nonpolyposis colorectal neoplasms. Identifiers: MedGen C0009405, MeSH D003123.
Hereditary cancer-predisposing syndrome. Also called: Hereditary Cancer Syndrome; Hereditary neoplastic syndrome; Neoplastic Syndromes, Hereditary; Tumor predisposition. Identifiers: Orphanet 140162, MedGen C0027672, MeSH D009386, MONDO:0015356.

Submissions (2):

Ambry Genetics
Classification: Pathogenic for Hereditary cancer-predisposing syndrome. Last evaluated: 2025-05-25. Review status: criteria provided, single submitter. Criteria: Ambry Variant Classification Scheme 2023. Collection method: clinical testing. Allele origin: germline.
Comment: The c.1420delG pathogenic mutation, located in coding exon 4 of the MSH6 gene, results from a deletion of one nucleotide at nucleotide position 1420, causing a translational frameshift with a predicted alternate stop codon (p.V474Cfs*7). This variant is considered to be rare based on population cohorts in the Genome Aggregation Database (gnomAD). This alteration is expected to result in loss of function by premature protein truncation or nonsense-mediated mRNA decay. As such, this alteration is interpreted as a disease-causing mutation.

Labcorp Genetics (formerly Invitae), Labcorp
Classification: Pathogenic for Hereditary nonpolyposis colorectal neoplasms. Last evaluated: 2025-02-07. Review status: criteria provided, single submitter. Criteria: Invitae Variant Classification Sherloc (09022015). Collection method: clinical testing. Allele origin: germline.
Comment: This sequence change creates a premature translational stop signal (p.Val474Cysfs*7) in the MSH6 gene. It is expected to result in an absent or disrupted protein product. Loss-of-function variants in MSH6 are known to be pathogenic (PMID: 18269114, 24362816). This variant is not present in population databases (gnomAD no frequency). This variant has not been reported in the literature in individuals affected with MSH6-related conditions. For these reasons, this variant has been classified as Pathogenic.

Literature cited by the submitters: PubMed 18269114 (cited by Labcorp Genetics (formerly Invitae), Labcorp); PubMed 24362816 (cited by Labcorp Genetics (formerly Invitae), Labcorp).